The following is an entry in ClinVar:

NM_024675.4(PALB2):c.3053A>C (p.Glu1018Ala)

Gene: PALB2 (partner and localizer of BRCA2; minus strand). Cytogenetic location: 16p12.2.
Variant type: single nucleotide variant.
Coding change: c.3053A>C on transcript NM_024675.4 (MANE Select); coding-DNA position 3053, A replaced by C.
Protein change: p.Glu1018Ala; replaces glutamic acid 1018 with alanine.
Molecular consequence: missense variant.
Genome position (GRCh38, 1-based): chr16:23,621,422, T>G on the plus strand (A>C on the coding strand, the complement: PALB2 is on the minus strand). VCF-style: chr16-23621422-T-G. GRCh37 (hg19) VCF-style: chr16-23632743-T-G.
Other names: short protein forms E1018A.
Identifiers: ClinVar variation 576952 (VCV000576952.16), dbSNP rs1567212910, ClinGen allele CA395143025.
Genomic context (GRCh38, chr16:23,621,422, plus strand): 5'-CAAATAACAATGTTGTTCATAATAGTAGTACCAAGCAGAGCTTCTTGCATCCCTTGGACC[T>G]CAGCAAAAGTTAGTATAGTCTCCTCAGGGGGCATCAAAAATTGGTTTTCTTTGCCTCTGT-3'
Protein context (NP_078951.2, residues 1008-1028): PPEETILTFA[Glu1018Ala]VQGMQEALLG

ClinVar aggregate classification (germline): Uncertain significance. Review status: criteria provided, multiple submitters, no conflicts (2 of 4 stars). 4 submissions from 4 submitters: Uncertain significance (3). 1 of the submissions does not count toward it. Last evaluated 2024-12-23.

Conditions:
Familial cancer of breast. Also called: hereditary breast carcinoma; BREAST CANCER, FAMILIAL; Hereditary breast cancer. Identifiers: Orphanet 227535, MedGen C0346153, MONDO:0016419, OMIM 114480. Disease mechanism: loss of function.
Hereditary cancer-predisposing syndrome. Also called: Tumor predisposition; Hereditary neoplastic syndrome; Hereditary Cancer Syndrome; Neoplastic Syndromes, Hereditary. Identifiers: Orphanet 140162, MedGen C0027672, MeSH D009386, MONDO:0015356.

Submissions (4):

Color Diagnostics, LLC DBA Color Health
Classification: Uncertain significance for Hereditary cancer-predisposing syndrome. Last evaluated: 2024-12-23. Review status: criteria provided, single submitter. Criteria: ACMG Guidelines, 2015. Collection method: clinical testing. Allele origin: germline.
Comment: This missense variant replaces glutamic acid with alanine at codon 1018 of the PALB2 protein. Computational prediction suggests that this variant may not impact protein structure and function. To our knowledge, functional studies have not been reported for this variant. This variant has been detected in a breast cancer case-control meta-analysis in 1/60466 cases and 0/53461 unaffected individuals (PMID: 33471991; Leiden Open Variation Database DB-ID PALB2_010283), and it has also been reported in an individual affected with breast cancer (PMID: 25186627). This variant has not been identified in the general population by the Genome Aggregation Database (gnomAD). The available evidence is insufficient to determine the role of this variant in disease conclusively. Therefore, this variant is classified as a Variant of Uncertain Significance.

Labcorp Genetics (formerly Invitae), Labcorp
Classification: Uncertain significance for Familial cancer of breast. Last evaluated: 2024-02-24. Review status: criteria provided, single submitter. Criteria: Invitae Variant Classification Sherloc (09022015). Collection method: clinical testing. Allele origin: germline.
Comment: This sequence change replaces glutamic acid, which is acidic and polar, with alanine, which is neutral and non-polar, at codon 1018 of the PALB2 protein (p.Glu1018Ala). This variant is not present in population databases (gnomAD no frequency). This missense change has been observed in individual(s) with breast cancer (PMID: 25186627). ClinVar contains an entry for this variant (Variation ID: 576952). Advanced modeling of protein sequence and biophysical properties (such as structural, functional, and spatial information, amino acid conservation, physicochemical variation, residue mobility, and thermodynamic stability) performed at Invitae indicates that this missense variant is expected to disrupt PALB2 protein function with a positive predictive value of 80%. In summary, the available evidence is currently insufficient to determine the role of this variant in disease. Therefore, it has been classified as a Variant of Uncertain Significance.

Clinical Genetics Laboratory, Skane University Hospital Lund
Classification: Uncertain significance. Last evaluated: 2022-11-14. Review status: criteria provided, single submitter. Criteria: ACMG Guidelines, 2015. Collection method: clinical testing. Allele origin: germline. Affected: yes.

Leiden Open Variation Database
Classification: Likely benign for Familial cancer of breast. Last evaluated: 2019-05-13. Review status: no assertion criteria provided. Collection method: curation. Allele origin: germline. Affected: yes. Not counted in ClinVar's aggregate classification.
Comment: Curators: Marc Tischkowitz, Arleen D. Auerbach. Submitter to LOVD: Marc Tischkowitz.

Literature cited by the submitters: PubMed 25186627 (cited by 3 submitters); PubMed 33471991 (cited by Color Diagnostics, LLC DBA Color Health).